The following is an entry in ClinVar:

ClinVar aggregate classification (germline): Uncertain significance. Review status: criteria provided, multiple submitters, no conflicts (2 of 4 stars). 2 submissions from 2 submitters: Uncertain significance (2). Last evaluated 2024-11-27.

Conditions:
Epidermolysis bullosa simplex with nail dystrophy (EBS5D). Identifiers: MedGen C4225309, MONDO:0014661, OMIM 616487.
Epidermolysis bullosa simplex, Ogna type (EBS5A). Also called: EPIDERMOLYSIS BULLOSA SIMPLEX 5A, OGNA TYPE; Pidermolysis bullosa simplex 5A, Ogna type. Identifiers: Orphanet 79401, MedGen C0432317, MONDO:0007555, OMIM 131950.
Autosomal recessive limb-girdle muscular dystrophy type 2Q (LGMDR17). Also called: MUSCULAR DYSTROPHY, LIMB-GIRDLE, AUTOSOMAL RECESSIVE 17. Identifiers: Orphanet 254361, MedGen C3150989, MONDO:0013390, OMIM 613723.
Epidermolysis bullosa simplex 5B, with muscular dystrophy (EBS5B). Also called: EPIDERMOLYSIS BULLOSA SIMPLEX AND LIMB-GIRDLE MUSCULAR DYSTROPHY; Epidermolysis bullosa simplex with muscular dystrophy. Identifiers: Orphanet 257, MedGen C2931072, MONDO:0009181, OMIM 226670.
Epidermolysis bullosa simplex 5C, with pyloric atresia (EBS5C). Also called: PLEC1-Related Epidermolysis Bullosa with Pyloric Atresia; PLEC-Related Epidermolysis Bullosa with Pyloric Atresia; Epidermolysis bullosa simplex with pyloric atresia. Identifiers: Orphanet 158684, MedGen C2677349, MONDO:0012807, OMIM 612138.

gnomAD v4.1: 1 of 1,607,880 alleles (0.000062%); highest among the groups gnomAD compares: African/African-American, 0.0013%; no homozygotes.

Submissions (2):

Labcorp Genetics (formerly Invitae), Labcorp
Classification: Uncertain significance for Autosomal recessive limb-girdle muscular dystrophy type 2Q; Epidermolysis bullosa simplex, Ogna type; Epidermolysis bullosa simplex with nail dystrophy; Epidermolysis bullosa simplex 5C, with pyloric atresia; Epidermolysis bullosa simplex 5B, with muscular dystrophy. Last evaluated: 2024-11-27. Review status: criteria provided, single submitter. Criteria: Invitae Variant Classification Sherloc (09022015). Collection method: clinical testing. Allele origin: germline.
Comment: This sequence change replaces leucine, which is neutral and non-polar, with valine, which is neutral and non-polar, at codon 737 of the PLEC protein (p.Leu737Val). This variant is not present in population databases (gnomAD no frequency). This variant has not been reported in the literature in individuals affected with PLEC-related conditions. Invitae Evidence Modeling of protein sequence and biophysical properties (such as structural, functional, and spatial information, amino acid conservation, physicochemical variation, residue mobility, and thermodynamic stability) indicates that this missense variant is not expected to disrupt PLEC protein function with a negative predictive value of 80%. In summary, the available evidence is currently insufficient to determine the role of this variant in disease. Therefore, it has been classified as a Variant of Uncertain Significance.

Revvity Omics, Revvity
Classification: Uncertain significance. Last evaluated: 2023-10-27. Review status: criteria provided, single submitter. Criteria: ACMG Guidelines, 2015. Collection method: clinical testing. Allele origin: germline.

NM_201384.3(PLEC):c.2128C>G (p.Leu710Val)

Gene: PLEC (plectin; minus strand). Cytogenetic location: 8q24.3.
Variant type: single nucleotide variant.
Coding change: c.2128C>G on transcript NM_201384.3 (MANE Select); coding-DNA position 2128, C replaced by G.
Protein change: p.Leu710Val; replaces leucine 710 with valine.
Molecular consequence: missense variant.
Genome position (GRCh38, 1-based): chr8:143,931,987, G>C on the plus strand (C>G on the coding strand, the complement: PLEC is on the minus strand). VCF-style: chr8-143931987-G-C. GRCh37 (hg19) VCF-style: chr8-145006155-G-C.
Other names: c.2209C>G, p.Leu737Val (NM_000445.5, NM_001410941.1); c.2086C>G, p.Leu696Val (NM_201378.4); c.2062C>G, p.Leu688Val (NM_201379.3); c.2539C>G, p.Leu847Val (NM_201380.4); c.2032C>G, p.Leu678Val (NM_201381.3); c.2128C>G, p.Leu710Val (NM_201382.4); c.2140C>G, p.Leu714Val (NM_201383.3); short protein forms L678V, L688V, L696V, L710V, L714V, L737V, L847V.
Identifiers: ClinVar variation 3763854 (VCV003763854.3).